The following is an entry in ClinVar:

ClinVar aggregate classification (germline): Likely pathogenic (1 of 4 stars; one submission).

Conditions:
Marfan syndrome (MFS). Also called: MARFAN SYNDROME, TYPE I; Marfan syndrome type 1; Marfan's syndrome; Marfan syndrome, classic; FBN1-Related Marfan Syndrome. Identifiers: Orphanet 284963, Orphanet 558, MedGen C0024796, MONDO:0007947, OMIM 154700.
Familial thoracic aortic aneurysm and aortic dissection (TAAD). Also called: Thoracic aortic aneurysms and dissections. Identifiers: Orphanet 91387, MedGen C4707243, MONDO:0019625.

Submission:

Labcorp Genetics (formerly Invitae), Labcorp
Classification: Likely pathogenic for Marfan syndrome; Familial thoracic aortic aneurysm and aortic dissection. Last evaluated: 2024-09-30. Review status: criteria provided, single submitter. Criteria: Invitae Variant Classification Sherloc (09022015). Collection method: clinical testing. Allele origin: germline.
Comment: This sequence change replaces glutamic acid, which is acidic and polar, with glutamine, which is neutral and polar, at codon 616 of the FBN1 protein (p.Glu616Gln). This variant is not present in population databases (gnomAD no frequency). This missense change has been observed in individual(s) with clinical features of Marfan syndrome (internal data). Invitae Evidence Modeling of protein sequence and biophysical properties (such as structural, functional, and spatial information, amino acid conservation, physicochemical variation, residue mobility, and thermodynamic stability) indicates that this missense variant is expected to disrupt FBN1 protein function with a positive predictive value of 95%. This variant disrupts the p.Glu616 amino acid residue in FBN1. Other variant(s) that disrupt this residue have been determined to be pathogenic (PMID: 10464652, 12938084, 19293843; internal data). This suggests that this residue is clinically significant, and that variants that disrupt this residue are likely to be disease-causing. In summary, the currently available evidence indicates that the variant is pathogenic, but additional data are needed to prove that conclusively. Therefore, this variant has been classified as Likely Pathogenic.

Literature cited by the submitters: PubMed 10464652; PubMed 12938084; PubMed 19293843.

NM_000138.5(FBN1):c.1846G>C (p.Glu616Gln)

Gene: FBN1 (fibrillin 1; minus strand). Cytogenetic location: 15q21.1.
Variant type: single nucleotide variant.
Coding change: c.1846G>C on transcript NM_000138.5 (MANE Select); coding-DNA position 1846, G replaced by C.
Protein change: p.Glu616Gln; replaces glutamic acid 616 with glutamine.
Molecular consequence: missense variant.
Genome position (GRCh38, 1-based): chr15:48,505,139, C>G on the plus strand (G>C on the coding strand, the complement: FBN1 is on the minus strand). VCF-style: chr15-48505139-C-G. GRCh37 (hg19) VCF-style: chr15-48797336-C-G.
Other names: c.1846G>C, p.Glu616Gln (NM_001406716.1); short protein forms E616Q.
Identifiers: ClinVar variation 2940719 (VCV002940719.3), dbSNP rs397515764, ClinGen allele CA392339194.